The following is an entry in ClinVar:

ClinVar aggregate classification (germline): Uncertain significance (1 of 4 stars; one submission).

gnomAD v4.1: 1 of 1,613,962 alleles (0.000062%); highest among the groups gnomAD compares: Non-Finnish European, 0.000085%; no homozygotes.

Submission:

Ambry Genetics
Classification: Uncertain significance. Last evaluated: 2026-06-01. Review status: criteria provided, single submitter. Criteria: Ambry Variant Classification Scheme 2023. Collection method: clinical testing. Allele origin: germline.
Comment: The p.C784F variant (also known as c.2351G>T), located in coding exon 1 of the TET2 gene, results from a G to T substitution at nucleotide position 2351. The cysteine at codon 784 is replaced by phenylalanine, an amino acid with highly dissimilar properties. This amino acid position is conserved. In addition, this alteration is predicted to be tolerated by in silico analysis. Based on the available evidence, the clinical significance of this variant remains unclear.

NM_001127208.3(TET2):c.2351G>T (p.Cys784Phe)

Genes: TET2 (tet methylcytosine dioxygenase 2; plus strand), TET2-AS1 (TET2 antisense RNA 1; minus strand). Cytogenetic location: 4q24.
Variant type: single nucleotide variant.
Coding change: c.2351G>T on transcript NM_001127208.3 (MANE Select); coding-DNA position 2351, G replaced by T.
Protein change: p.Cys784Phe; replaces cysteine 784 with phenylalanine.
Molecular consequence: missense variant.
Genome position (GRCh38, 1-based): chr4:105,236,293, G>T. VCF-style: chr4-105236293-G-T. GRCh37 (hg19) VCF-style: chr4-106157450-G-T.
Other names: c.2351G>T, p.Cys784Phe (NM_017628.4); short protein forms C784F.
Identifiers: ClinVar variation 4865597 (VCV004865597.1).